The following is an entry in ClinVar:

NM_003730.6(RNASET2):c.707G>A (p.Arg236Gln)

Gene: RNASET2 (ribonuclease T2; minus strand). Cytogenetic location: 6q27.
Variant type: single nucleotide variant.
Coding change: c.707G>A on transcript NM_003730.6 (MANE Select); coding-DNA position 707, G replaced by A.
Protein change: p.Arg236Gln; replaces arginine 236 with glutamine.
Molecular consequence: missense variant.
Genome position (GRCh38, 1-based): chr6:166,929,652, C>T on the plus strand (G>A on the coding strand, the complement: RNASET2 is on the minus strand). VCF-style: chr6-166929652-C-T. GRCh37 (hg19) VCF-style: chr6-167343140-C-T.
Other names: short protein forms R236Q.
Identifiers: ClinVar variation 716206 (VCV000716206.17), dbSNP rs146590748, ClinGen allele CA4094806.
Genomic context (GRCh38, chr6:166,929,652, plus strand): 5'-TGCTTGGTCTTTTTAGGTGGGGGATAGAAGACTGGGCCATCTTCACAGACTCTCAGACCC[C>T]GGCTCTCGGCGGCCCCATTTGCCAGCCAGACTTCCTGCTTGGGGGACGGCTGCTCCCCCG-3'
Protein context (NP_003721.2, residues 226-246): VWLANGAAES[Arg236Gln]GLRVCEDGPV

ClinVar aggregate classification (germline): Likely benign. Review status: criteria provided, multiple submitters, no conflicts (2 of 4 stars). 4 submissions from 4 submitters: Likely benign (3). 1 of the submissions does not count toward it. Last evaluated 2025-11-16.

Conditions:
Cystic leukoencephalopathy without megalencephaly. Identifiers: Orphanet 85136, MedGen C2751843, MONDO:0013058, OMIM 612951.
RNASET2-related disorder. Also called: RNASET2-related condition.

Allele frequency attached by ClinVar (database versions not stated): ESP Exome Variant Server 0.00031; TOPMed 0.00043; gnomAD 0.00094 and 0.00101; 1000 Genomes Project 30x 0.00109; 1000 Genomes Project 0.00140; ExAC 0.00156; gnomAD exomes 0.00156.
gnomAD v4.1: 1,366 of 1,614,072 alleles (0.085%); highest among the groups gnomAD compares: East Asian, 0.36%; 4 homozygotes.

Submissions (4):

Labcorp Genetics (formerly Invitae), Labcorp
Classification: Likely benign. Last evaluated: 2025-11-16. Review status: criteria provided, single submitter. Criteria: Invitae Variant Classification Sherloc (09022015). Collection method: clinical testing. Allele origin: germline.

Blueprint Genetics
Classification: Likely benign. Last evaluated: 2024-11-06. Review status: criteria provided, single submitter. Criteria: ACMG Guidelines, 2015. Collection method: clinical testing. Allele origin: germline.

Illumina Laboratory Services, Illumina
Classification: Likely benign for Cystic leukoencephalopathy without megalencephaly. Last evaluated: 2018-01-12. Review status: criteria provided, single submitter. Criteria: ICSL Variant Classification Criteria 13 December 2019. Collection method: clinical testing. Allele origin: germline.
Comment: This variant was observed in the ICSL laboratory as part of a predisposition screen in an ostensibly healthy population. It had not been previously curated by ICSL or reported in the Human Gene Mutation Database (HGMD: prior to June 1st, 2018), and was therefore a candidate for classification through an automated scoring system. Utilizing variant allele frequency, disease prevalence and penetrance estimates, and inheritance mode, an automated score was calculated to assess if this variant is too frequent to cause the disease. Based on the score and internal cut-off values, a variant classified as likely benign is not then subjected to further curation. The score for this variant resulted in a classification of likely benign for this disease.

PreventionGenetics, part of Exact Sciences
Classification: Benign for RNASET2-related condition. Last evaluated: 2019-05-07. Review status: no assertion criteria provided. Collection method: clinical testing. Allele origin: germline. Not counted in ClinVar's aggregate classification.
Comment: This variant is classified as benign based on ACMG/AMP sequence variant interpretation guidelines (Richards et al. 2015 PMID: 25741868, with internal and published modifications).